The following is an entry in ClinVar:

NM_201550.4(LRRC10):c.235A>G (p.Ile79Val)

Gene: LRRC10 (leucine rich repeat containing 10; minus strand). Cytogenetic location: 12q15.
Variant type: single nucleotide variant.
Coding change: c.235A>G on transcript NM_201550.4 (MANE Select); coding-DNA position 235, A replaced by G.
Protein change: p.Ile79Val; replaces isoleucine 79 with valine.
Molecular consequence: missense variant.
Genome position (GRCh38, 1-based): chr12:69,610,604, T>C on the plus strand (A>G on the coding strand, the complement: LRRC10 is on the minus strand). VCF-style: chr12-69610604-T-C. GRCh37 (hg19) VCF-style: chr12-70004384-T-C.
Other names: short protein forms I79V.
Identifiers: ClinVar variation 4795089 (VCV004795089.1).

ClinVar aggregate classification (germline): Uncertain significance (1 of 4 stars; one submission).

Submission:

Labcorp Genetics (formerly Invitae), Labcorp
Classification: Uncertain significance. Last evaluated: 2025-04-27. Review status: criteria provided, single submitter. Criteria: Invitae Variant Classification Sherloc (09022015). Collection method: clinical testing. Allele origin: germline.
Comment: This sequence change replaces isoleucine, which is neutral and non-polar, with valine, which is neutral and non-polar, at codon 79 of the LRRC10 protein (p.Ile79Val). This variant is not present in population databases (gnomAD no frequency). This variant has not been reported in the literature in individuals affected with LRRC10-related conditions. An algorithm developed to predict the effect of missense changes on protein structure and function (PolyPhen-2) suggests that this variant is likely to be tolerated. In summary, the available evidence is currently insufficient to determine the role of this variant in disease. Therefore, it has been classified as a Variant of Uncertain Significance.